The following is an entry in ClinVar:

ClinVar aggregate classification (germline): Uncertain significance. Review status: criteria provided, multiple submitters, no conflicts (2 of 4 stars). 2 submissions from 2 submitters: Uncertain significance (2). Last evaluated 2024-11-26.

Conditions:
Inborn genetic diseases. Identifiers: MedGen C0950123, MeSH D030342.

Allele frequency attached by ClinVar (database versions not stated): ESP Exome Variant Server 0.00008.

Submissions (2):

Ambry Genetics
Classification: Uncertain significance for Inborn genetic diseases. Last evaluated: 2024-11-26. Review status: criteria provided, single submitter. Criteria: Ambry Variant Classification Scheme 2023. Collection method: clinical testing. Allele origin: germline.

Labcorp Genetics (formerly Invitae), Labcorp
Classification: Uncertain significance. Last evaluated: 2022-08-19. Review status: criteria provided, single submitter. Criteria: Invitae Variant Classification Sherloc (09022015). Collection method: clinical testing. Allele origin: germline.
Comment: This sequence change replaces arginine, which is basic and polar, with proline, which is neutral and non-polar, at codon 324 of the COL7A1 protein (p.Arg324Pro). This variant is present in population databases (rs371939692, gnomAD 0.01%). This variant has not been reported in the literature in individuals affected with COL7A1-related conditions. ClinVar contains an entry for this variant (Variation ID: 1389221). Algorithms developed to predict the effect of missense changes on protein structure and function are either unavailable or do not agree on the potential impact of this missense change (SIFT: "Deleterious"; PolyPhen-2: "Not Available"; Align-GVGD: "Class C0"). In summary, the available evidence is currently insufficient to determine the role of this variant in disease. Therefore, it has been classified as a Variant of Uncertain Significance.

NM_000094.4(COL7A1):c.971G>C (p.Arg324Pro)

Gene: COL7A1 (collagen type VII alpha 1 chain; minus strand). Cytogenetic location: 3p21.31.
Variant type: single nucleotide variant.
Coding change: c.971G>C on transcript NM_000094.4 (MANE Select); coding-DNA position 971, G replaced by C.
Protein change: p.Arg324Pro; replaces arginine 324 with proline.
Molecular consequence: missense variant.
Genome position (GRCh38, 1-based): chr3:48,592,575, C>G on the plus strand (G>C on the coding strand, the complement: COL7A1 is on the minus strand). VCF-style: chr3-48592575-C-G. GRCh37 (hg19) VCF-style: chr3-48630008-C-G.
Other names: c.971G>C (NM_000094.3); short protein forms R324P.
Identifiers: ClinVar variation 1389221 (VCV001389221.6), dbSNP rs371939692, ClinGen allele CA73992765.
Genomic context (GRCh38, chr3:48,592,575, plus strand): 5'-GGTACTGGGGTCGGGGGTTAGGTGAATGGGGTCAGAGGCTGGCAGAATTGCTCACTGGTC[C>G]GAGCTGTCCCGCTCACAGCCTCCCCGATGCTGTTGGCGTAGAGGGCAATCACAGTCACTT-3'
Protein context (NP_000085.1, residues 314-334): SIGEAVSGTA[Arg324Pro]TTALEGPELT